The following is an entry in ClinVar:

NM_000548.5(TSC2):c.1294C>T (p.Gln432Ter)

Gene: TSC2 (TSC complex subunit 2; plus strand). Cytogenetic location: 16p13.3.
Variant type: single nucleotide variant.
Coding change: c.1294C>T on transcript NM_000548.5 (MANE Select); coding-DNA position 1294, C replaced by T.
Protein change: p.Gln432Ter; replaces glutamine 432 with a stop codon.
Molecular consequence: nonsense.
Genome position (GRCh38, 1-based): chr16:2,062,533, C>T. VCF-style: chr16-2062533-C-T. GRCh37 (hg19) VCF-style: chr16-2112534-C-T.
Other names: c.1294C>T, p.Gln432Ter (NM_001077183.3, NM_001114382.3, NM_001363528.2 and 3 more transcripts); c.1183C>T, p.Gln395Ter (NM_001318827.2); c.1147C>T, p.Gln383Ter (NM_001318829.2); c.694C>T, p.Gln232Ter (NM_001318831.2); c.1327C>T, p.Gln443Ter (NM_001318832.2); short protein forms Q432*, Q443*, Q395*, Q383*, Q232*.
Identifiers: ClinVar variation 427991 (VCV000427991.11), dbSNP rs1114167462, ClinGen allele CA394322093.
Genomic context (GRCh38, chr16:2,062,533, plus strand): 5'-CAACACCGGCTCTTCTTTTGACAGGAGTCCTCCCTCCTGAACCTGATCTCCTATAGAGCG[C>T]AGTCCATCCACCCGGCCAAGGACGGCTGGATTCAGAACCTGCAGGCGCTGATGGAGAGAT-3'

ClinVar aggregate classification (germline): Pathogenic. Review status: criteria provided, multiple submitters, no conflicts (2 of 4 stars). 5 submissions from 5 submitters: Pathogenic (5). Last evaluated 2024-09-17.

Conditions:
Lymphangiomyomatosis (LAM). Also called: Lymphangioleiomyomatosis, somatic; Lymphangioleiomyomatosis. Identifiers: Orphanet 538, MedGen C0751674, MONDO:0011705, OMIM 606690.
Isolated focal cortical dysplasia type II (FCORD2). Also called: CORTICAL DYSPLASIA OF TAYLOR; Focal cortical dysplasia type II. Identifiers: Orphanet 268994, MedGen C1846385, MONDO:0011818, OMIM 607341, HP:0032051.
Tuberous sclerosis 2 (TSC2). Identifiers: Orphanet 805, MedGen C1860707, MONDO:0013199, OMIM 613254.
Hereditary cancer-predisposing syndrome. Also called: Hereditary neoplastic syndrome; Tumor predisposition; Neoplastic Syndromes, Hereditary; Hereditary Cancer Syndrome. Identifiers: Orphanet 140162, MedGen C0027672, MeSH D009386, MONDO:0015356.

Submissions (5):

Molecular Pathology, Peter Maccallum Cancer Centre
Classification: Pathogenic for Tuberous sclerosis 2. Last evaluated: 2024-09-17. Review status: criteria provided, single submitter. Criteria: ACMG Guidelines, 2015. Collection method: clinical testing. Allele origin: germline. Inheritance: Autosomal dominant inheritance.

Fulgent Genetics
Classification: Pathogenic for Lymphangiomyomatosis; Isolated focal cortical dysplasia type II; Tuberous sclerosis 2. Last evaluated: 2024-05-21. Review status: criteria provided, single submitter. Criteria: ACMG Guidelines, 2015. Collection method: clinical testing. Allele origin: germline.

GeneDx
Classification: Pathogenic. Last evaluated: 2023-07-25. Review status: criteria provided, single submitter. Criteria: GeneDx Variant Classification Process June 2021. Collection method: clinical testing. Allele origin: germline. Affected: yes.
Comment: Nonsense variant predicted to result in protein truncation or nonsense mediated decay in a gene for which loss of function is a known mechanism of disease; Not observed at significant frequency in large population cohorts (gnomAD); This variant is associated with the following publications: (PMID: 29432982)

Labcorp Genetics (formerly Invitae), Labcorp
Classification: Pathogenic for Tuberous sclerosis 2. Last evaluated: 2023-04-08. Review status: criteria provided, single submitter. Criteria: Invitae Variant Classification Sherloc (09022015). Collection method: clinical testing. Allele origin: germline.
Comment: This premature translational stop signal has been observed in individual(s) with tuberous sclerosis complex (PMID: 29432982). This variant is not present in population databases (gnomAD no frequency). This sequence change creates a premature translational stop signal (p.Gln432*) in the TSC2 gene. It is expected to result in an absent or disrupted protein product. Loss-of-function variants in TSC2 are known to be pathogenic (PMID: 10205261, 17304050). For these reasons, this variant has been classified as Pathogenic. ClinVar contains an entry for this variant (Variation ID: 427991).

Ambry Genetics
Classification: Pathogenic for Hereditary cancer-predisposing syndrome. Last evaluated: 2016-06-10. Review status: criteria provided, single submitter. Criteria: Ambry Variant Classification Scheme 2023. Collection method: clinical testing. Allele origin: germline.
Comment: The p.Q432* pathogenic mutation (also known as c.1294C>T), located in coding exon 12 of the TSC2 gene, results from a C to T substitution at nucleotide position 1294. This changes the amino acid from a glutamine to a stop codon within coding exon 12. Since premature stop codons are typically deleterious in nature, this alteration is interpreted as a disease-causing mutation (ACMG Recommendations for Standards for Interpretation and Reporting of Sequence Variations. Revision 2007. Genet Med. 2008;10:294).

Literature cited by the submitters: PubMed 29432982 (cited by Labcorp Genetics (formerly Invitae), Labcorp); PubMed 10205261 (cited by Labcorp Genetics (formerly Invitae), Labcorp); PubMed 17304050 (cited by Labcorp Genetics (formerly Invitae), Labcorp).